The following is an entry in ClinVar:

ClinVar aggregate classification (germline): Uncertain significance. Review status: criteria provided, multiple submitters, no conflicts (2 of 4 stars). 2 submissions from 2 submitters: Uncertain significance (2). Last evaluated 2025-04-20.

Conditions:
Hypertrophic cardiomyopathy. Also called: HYPERTROPHIC MYOCARDIOPATHY. Identifiers: Orphanet 217569, MedGen C0007194, MeSH D002312, MONDO:0005045, HP:0001639.

Submissions (2):

Ambry Genetics
Classification: Uncertain significance. Last evaluated: 2025-04-20. Review status: criteria provided, single submitter. Criteria: Ambry Variant Classification Scheme 2023. Collection method: clinical testing. Allele origin: germline.
Comment: The p.P439S variant (also known as c.1315C>T), located in coding exon 8 of the MYOM1 gene, results from a C to T substitution at nucleotide position 1315. The proline at codon 439 is replaced by serine, an amino acid with similar properties. This amino acid position is conserved. In addition, this alteration is predicted to be deleterious by in silico analysis. Based on the available evidence, the clinical significance of this variant remains unclear.

Labcorp Genetics (formerly Invitae), Labcorp
Classification: Uncertain significance for Hypertrophic cardiomyopathy. Last evaluated: 2024-10-24. Review status: criteria provided, single submitter. Criteria: Invitae Variant Classification Sherloc (09022015). Collection method: clinical testing. Allele origin: germline.
Comment: This sequence change replaces proline, which is neutral and non-polar, with serine, which is neutral and polar, at codon 439 of the MYOM1 protein (p.Pro439Ser). This variant is not present in population databases (gnomAD no frequency). This variant has not been reported in the literature in individuals affected with MYOM1-related conditions. An algorithm developed to predict the effect of missense changes on protein structure and function (PolyPhen-2) suggests that this variant is likely to be disruptive. In summary, the available evidence is currently insufficient to determine the role of this variant in disease. Therefore, it has been classified as a Variant of Uncertain Significance.

NM_003803.4(MYOM1):c.1315C>T (p.Pro439Ser)

Gene: MYOM1 (myomesin 1; minus strand). Cytogenetic location: 18p11.31.
Variant type: single nucleotide variant.
Coding change: c.1315C>T on transcript NM_003803.4 (MANE Select); coding-DNA position 1315, C replaced by T.
Protein change: p.Pro439Ser; replaces proline 439 with serine.
Molecular consequence: missense variant.
Genome position (GRCh38, 1-based): chr18:3,168,841, G>A on the plus strand (C>T on the coding strand, the complement: MYOM1 is on the minus strand). VCF-style: chr18-3168841-G-A. GRCh37 (hg19) VCF-style: chr18-3168839-G-A.
Other names: c.1315C>T, p.Pro439Ser (NM_019856.2); short protein forms P439S.
Identifiers: ClinVar variation 3703230 (VCV003703230.3).
Genomic context (GRCh38, chr18:3,168,841, plus strand): 5'-TAAGAACCTAAGTGAGCATTCATTGTAAAGACTCACCGTTTCTGTACCACTGGATCTCTG[G>A]CTGGAAATGTTTAATTTCAGGAGTGATGACAACACGACAGCCTAGACTCATTGTCTCTCC-3'
Protein context (NP_003794.3, residues 429-449): VITPEIKHFQ[Pro439Ser]EIQWYRNGVP